The following is an entry in ClinVar:

NM_006944.3(SPP2):c.173C>T (p.Pro58Leu)

Gene: SPP2 (secreted phosphoprotein 2; plus strand). Cytogenetic location: 2q37.1.
Variant type: single nucleotide variant.
Coding change: c.173C>T on transcript NM_006944.3 (MANE Select); coding-DNA position 173, C replaced by T.
Protein change: p.Pro58Leu; replaces proline 58 with leucine.
Molecular consequence: missense variant.
Genome position (GRCh38, 1-based): chr2:234,051,058, C>T. VCF-style: chr2-234051058-C-T. GRCh37 (hg19) VCF-style: chr2-234959702-C-T.
Other names: c.173C>T (NM_006944.2); short protein forms P58L.
Identifiers: ClinVar variation 1055065 (VCV001055065.10), dbSNP rs143082886, ClinGen allele CA2183099.
Genomic context (GRCh38, chr2:234,051,058, plus strand): 5'-CCTCCTTAAGGGATGCCCTCAGTGCCTCTGTGGTAAAAGTGAATTCCCAGTCACTGAGTC[C>T]GTATCTGTTTCGGGCATTCAGAAGCTCATTAAAAAGAGTAAGTGCAAAATGAAATCTTCT-3'
Protein context (NP_008875.1, residues 48-68): VVKVNSQSLS[Pro58Leu]YLFRAFRSSL

ClinVar aggregate classification (germline): Conflicting classifications of pathogenicity. Review status: criteria provided, conflicting classifications (1 of 4 stars). 3 submissions from 3 submitters: Uncertain significance (2); Likely benign (1). Last evaluated 2025-05-05.

Conditions:
Retinal dystrophy. Also called: Inherited retinal dystrophy. Identifiers: Orphanet 71862, MedGen C0854723, MeSH D058499, MONDO:0019118, HP:0000556.

Allele frequency attached by ClinVar (database versions not stated): gnomAD exomes 0.00002; ExAC 0.00003; gnomAD 0.00005; ESP Exome Variant Server 0.00008; TOPMed 0.00008.
gnomAD v4.1: 66 of 1,613,764 alleles (0.0041%); highest among the groups gnomAD compares: Middle Eastern, 0.016%; no homozygotes.

Submissions (3):

Labcorp Genetics (formerly Invitae), Labcorp
Classification: Uncertain significance. Last evaluated: 2025-05-05. Review status: criteria provided, single submitter. Criteria: Invitae Variant Classification Sherloc (09022015). Collection method: clinical testing. Allele origin: germline.
Comment: This sequence change replaces proline, which is neutral and non-polar, with leucine, which is neutral and non-polar, at codon 58 of the SPP2 protein (p.Pro58Leu). This variant is present in population databases (rs143082886, gnomAD 0.008%). This variant has not been reported in the literature in individuals affected with SPP2-related conditions. ClinVar contains an entry for this variant (Variation ID: 1055065). An algorithm developed to predict the effect of missense changes on protein structure and function (PolyPhen-2) suggests that this variant is likely to be tolerated. In summary, the available evidence is currently insufficient to determine the role of this variant in disease. Therefore, it has been classified as a Variant of Uncertain Significance.

Ambry Genetics
Classification: Uncertain significance. Last evaluated: 2024-12-30. Review status: criteria provided, single submitter. Criteria: Ambry Variant Classification Scheme 2023. Collection method: clinical testing. Allele origin: germline.

Dept Of Ophthalmology, Nagoya University
Classification: Likely benign for Retinal dystrophy. Last evaluated: 2023-10-01. Review status: criteria provided, single submitter. Criteria: Submitter's publication. Collection method: research. Allele origin: germline. Affected: yes.